The following is an entry in ClinVar:

NM_001378615.1(CC2D2A):c.2004-263A>G

Genes: CC2D2A (coiled-coil and C2 domain containing 2A; plus strand), FBXL5 (F-box and leucine rich repeat protein 5; minus strand). Cytogenetic location: 4p15.32.
Variant type: single nucleotide variant.
Coding change: c.2004-263A>G on transcript NM_001378615.1 (MANE Select); 263 bases into the intron before coding-DNA position 2004, A replaced by G.
Molecular consequence: intron variant.
Genome position (GRCh38, 1-based): chr4:15,540,574, A>G. VCF-style: chr4-15540574-A-G. GRCh37 (hg19) VCF-style: chr4-15542197-A-G.
Other names: c.2004-263A>G (NM_001080522.2); c.1857-263A>G (NM_001378617.1).
Identifiers: ClinVar variation 668062 (VCV000668062.1), dbSNP rs16892135, ClinGen allele CA15313258.
Genomic context (GRCh38, chr4:15,540,574, plus strand): 5'-CCATTTAACAAGGAATATGTGAATTTAAAACTTTGGGACACAAATGTAAAGCTTGCCTGA[A>G]AAACCTGAGGAGACTGTAGCACAACAATGAATGGACTCTAGTTCTTAAATCCTCTGTGCC-3'

ClinVar aggregate classification (germline): Benign (1 of 4 stars; one submission).

Allele frequency attached by ClinVar (database versions not stated): 1000 Genomes Project 0.22404; 1000 Genomes Project 30x 0.23032; gnomAD 0.24903 and 0.25338; TOPMed 0.25566.
gnomAD v4.1: 37,990 of 152,066 alleles (25%); highest among the groups gnomAD compares: African/African-American, 32%; 5,009 homozygotes.

Submission:

GeneDx
Classification: Benign. Last evaluated: 2018-06-19. Review status: criteria provided, single submitter. Criteria: GeneDx Variant Classification (06012015). Collection method: clinical testing. Allele origin: germline. Affected: yes.
Comment: This variant is considered likely benign or benign based on one or more of the following criteria: it is a conservative change, it occurs at a poorly conserved position in the protein, it is predicted to be benign by multiple in silico algorithms, and/or has population frequency not consistent with disease.